The following is an entry in ClinVar:

NM_016222.4(DDX41):c.190C>T (p.Gln64Ter)

Gene: DDX41 (DEAD-box helicase 41; minus strand). Cytogenetic location: 5q35.3.
Variant type: single nucleotide variant.
Coding change: c.190C>T on transcript NM_016222.4 (MANE Select); coding-DNA position 190, C replaced by T.
Protein change: p.Gln64Ter; replaces glutamine 64 with a stop codon.
Molecular consequence: nonsense. On other transcripts: 5 prime UTR variant (2).
Genome position (GRCh38, 1-based): chr5:177,516,396, G>A on the plus strand (C>T on the coding strand, the complement: DDX41 is on the minus strand). VCF-style: chr5-177516396-G-A. GRCh37 (hg19) VCF-style: chr5-176943397-G-A.
Other names: c.-189C>T (NM_001321732.2, NM_001321830.2); short protein forms Q64*.
Identifiers: ClinVar variation 4617169 (VCV004617169.1).

ClinVar aggregate classification (germline): Pathogenic (1 of 4 stars; one submission).

Conditions:
Inborn genetic diseases. Identifiers: MedGen C0950123, MeSH D030342.

Submission:

Ambry Genetics
Classification: Pathogenic for Inborn genetic diseases. Last evaluated: 2025-10-28. Review status: criteria provided, single submitter. Criteria: Ambry Variant Classification Scheme 2023. Collection method: clinical testing. Allele origin: germline.
Comment: The p.Q64* pathogenic mutation (also known as c.190C>T), located in coding exon 3 of the DDX41 gene, results from a C to T substitution at nucleotide position 190. This changes the amino acid from a glutamine to a stop codon within coding exon 3. This variant is considered to be rare based on population cohorts in the Genome Aggregation Database (gnomAD). This alteration is expected to result in loss of function by premature protein truncation or nonsense-mediated mRNA decay. As such, this alteration is interpreted as a disease-causing mutation.